The following is an entry in ClinVar:

NM_000038.6(APC):c.1485dup (p.Thr496fs)

Gene: APC (APC regulator of Wnt signaling pathway; plus strand). Cytogenetic location: 5q22.2.
Variant type: Duplication.
Coding change: c.1485dup on transcript NM_000038.6 (MANE Select); coding-DNA position 1485, one base duplicated (T; older notation c.1485dupT).
Protein change: p.Thr496fs; shifts the reading frame from threonine 496.
Molecular consequence: frameshift variant.
Genome position (GRCh38, 1-based): chr5:112,827,184, T duplicated; the last of 2 consecutive T bases (chr5:112,827,183-112,827,184); duplicating either gives the same sequence. VCF-style (leftmost placement, unchanged base first): chr5-112827182-A-AT. GRCh37 (hg19) VCF-style: chr5-112162879-A-AT.
Other names: c.1485dup, p.Thr496fs (NM_001127510.3, NM_001354895.2); c.1431dup, p.Thr478fs (NM_001127511.3); c.1539dup, p.Thr514fs (NM_001354896.2); c.1515dup, p.Thr506fs (NM_001354897.2); c.1410dup, p.Thr471fs (NM_001354898.2); c.1401dup, p.Thr468fs (NM_001354899.2); c.1362dup, p.Thr455fs (NM_001354900.2); c.1308dup, p.Thr437fs (NM_001354901.2); and 6 more; short protein forms T213fs, T336fs, T405fs, T437fs, T478fs, T496fs, T455fs, T514fs.
Identifiers: ClinVar variation 429048 (VCV000429048.15), dbSNP rs1131691137, ClinGen allele CA645369349.

ClinVar aggregate classification (germline): Pathogenic. Review status: criteria provided, multiple submitters, no conflicts (2 of 4 stars). 3 submissions from 3 submitters: Pathogenic (3). Last evaluated 2023-05-01.

Conditions:
Hereditary cancer-predisposing syndrome. Also called: Hereditary Cancer Syndrome; Neoplastic Syndromes, Hereditary; Hereditary neoplastic syndrome; Tumor predisposition. Identifiers: Orphanet 140162, MedGen C0027672, MeSH D009386, MONDO:0015356.
Familial adenomatous polyposis 1 (FAP1). Also called: FAMILIAL ADENOMATOUS POLYPOSIS 1, ATTENUATED; POLYPOSIS, ADENOMATOUS INTESTINAL. Identifiers: MedGen C2713442, MONDO:0021056, OMIM 175100. Disease mechanism: loss of function.

Submissions (3):

Myriad Genetics, Inc.
Classification: Pathogenic for Familial adenomatous polyposis 1. Last evaluated: 2023-05-01. Review status: criteria provided, single submitter. Criteria: Myriad Autosomal Dominant, Autosomal Recessive and X-Linked Classification Criteria (2023). Collection method: clinical testing. Allele origin: unknown.
Comment: This variant is considered pathogenic. This variant creates a frameshift predicted to result in premature protein truncation.

Labcorp Genetics (formerly Invitae), Labcorp
Classification: Pathogenic for Familial adenomatous polyposis 1. Last evaluated: 2019-10-18. Review status: criteria provided, single submitter. Criteria: Invitae Variant Classification Sherloc (09022015). Collection method: clinical testing. Allele origin: germline.
Comment: This variant has not been reported in the literature in individuals with APC-related conditions. ClinVar contains an entry for this variant (Variation ID: 429048). For these reasons, this variant has been classified as Pathogenic. Loss-of-function variants in APC are known to be pathogenic (PMID: 17963004, 20685668). This variant is not present in population databases (ExAC no frequency). This sequence change creates a premature translational stop signal (p.Thr496Tyrfs*41) in the APC gene. It is expected to result in an absent or disrupted protein product.

Ambry Genetics
Classification: Pathogenic for Hereditary cancer-predisposing syndrome. Last evaluated: 2017-05-19. Review status: criteria provided, single submitter. Criteria: Ambry Variant Classification Scheme 2023. Collection method: clinical testing. Allele origin: germline.
Comment: The c.1485dupT pathogenic mutation, located in coding exon 11 of the APC gene, results from a duplication of T at nucleotide position 1485, causing a translational frameshift with a predicted alternate stop codon (p.T496Yfs*41). This alteration is expected to result in loss of function by premature protein truncation or nonsense-mediated mRNA decay. As such, this alteration is interpreted as a disease-causing mutation.

Literature cited by the submitters: PubMed 17963004 (cited by Labcorp Genetics (formerly Invitae), Labcorp); PubMed 20685668 (cited by Labcorp Genetics (formerly Invitae), Labcorp).